The following is an entry in ClinVar:

ClinVar aggregate classification (germline): Uncertain significance (1 of 4 stars; one submission).

Conditions:
Heterotaxy, visceral, 4, autosomal (HTX4). Identifiers: Orphanet 450, MedGen C3151057, MONDO:0013403, OMIM 613751.

Submission:

Labcorp Genetics (formerly Invitae), Labcorp
Classification: Uncertain significance for Heterotaxy, visceral, 4, autosomal. Last evaluated: 2025-10-10. Review status: criteria provided, single submitter. Criteria: Invitae Variant Classification Sherloc (09022015). Collection method: clinical testing. Allele origin: germline.
Comment: This sequence change replaces glutamic acid, which is acidic and polar, with lysine, which is basic and polar, at codon 52 of the ACVR2B protein (p.Glu52Lys). This variant is present in population databases (rs774335401, gnomAD 0.006%). This variant has not been reported in the literature in individuals affected with ACVR2B-related conditions. Invitae Evidence Modeling of protein sequence and biophysical properties (such as structural, functional, and spatial information, amino acid conservation, physicochemical variation, residue mobility, and thermodynamic stability) indicates that this missense variant is not expected to disrupt ACVR2B protein function with a negative predictive value of 95%. In summary, the available evidence is currently insufficient to determine the role of this variant in disease. Therefore, it has been classified as a Variant of Uncertain Significance.

NM_001106.4(ACVR2B):c.154G>A (p.Glu52Lys)

Gene: ACVR2B (activin A receptor type 2B; plus strand). Cytogenetic location: 3p22.2.
Variant type: single nucleotide variant.
Coding change: c.154G>A on transcript NM_001106.4 (MANE Select); coding-DNA position 154, G replaced by A.
Protein change: p.Glu52Lys; replaces glutamic acid 52 with lysine.
Molecular consequence: missense variant.
Genome position (GRCh38, 1-based): chr3:38,477,388, G>A. VCF-style: chr3-38477388-G-A. GRCh37 (hg19) VCF-style: chr3-38518879-G-A.
Other names: short protein forms E52K.
Identifiers: ClinVar variation 4704014 (VCV004704014.1).
Genomic context (GRCh38, chr3:38,477,388, plus strand): 5'-TACAACGCCAACTGGGAGCTGGAGCGCACCAACCAGAGCGGCCTGGAGCGCTGCGAAGGC[G>A]AGCAGGACAAGCGGCTGCACTGCTACGCCTCCTGGCGCAACAGCTCTGGCACCATCGAGC-3'
Protein context (NP_001097.2, residues 42-62): NQSGLERCEG[Glu52Lys]QDKRLHCYAS